The following is an entry in ClinVar:

ClinVar aggregate classification (germline): Likely pathogenic (1 of 4 stars; one submission).

Conditions:
FAM20A-related disorder. Also called: FAM20A-related condition.

Submission:

PreventionGenetics, part of Exact Sciences
Classification: Likely pathogenic for FAM20A-related condition. Last evaluated: 2026-05-27. Review status: criteria provided, single submitter. Criteria: ACMG Guidelines, 2015. Collection method: clinical testing. Allele origin: germline.
Comment: The FAM20A c.1129dupT variant is predicted to result in a frameshift and premature protein termination (p.Tyr377Leufs*3). To our knowledge, this variant has not been reported in the literature or in a large population database (gnomAD), indicating this variant is rare. Frameshift variants in FAM20A are expected to be pathogenic. This variant is interpreted as likely pathogenic.

NM_017565.4(FAM20A):c.1129dup (p.Tyr377fs)

Genes: FAM20A (FAM20A golgi associated secretory pathway pseudokinase; minus strand), PRKAR1A (protein kinase cAMP-dependent type I regulatory subunit alpha; plus strand). Cytogenetic location: 17q24.2.
Variant type: Duplication.
Coding change: c.1129dup on transcript NM_017565.4 (MANE Select); coding-DNA position 1129, one base duplicated (T; older notation c.1129dupT).
Protein change: p.Tyr377fs; shifts the reading frame from tyrosine 377.
Molecular consequence: frameshift variant. On other transcripts: non-coding transcript variant (1), intron variant (1).
Genome position (GRCh38, 1-based): chr17:68,540,939, A duplicated on the plus strand (T on the coding strand, the reverse complement: FAM20A is on the minus strand); the first of 3 consecutive A bases (chr17:68,540,939-68,540,941); duplicating any one gives the same sequence. VCF-style (leftmost placement, unchanged base first): chr17-68540938-T-TA. GRCh37 (hg19) VCF-style: chr17-66537079-T-TA.
Other names: c.715dup, p.Tyr239fs (NM_001243746.2); c.974-10143dup (NM_001276290.1); short protein forms Y377fs, Y239fs.
Identifiers: ClinVar variation 4991471 (VCV004991471.1).
Genomic context (GRCh38, chr17:68,540,938, plus strand): 5'-ATGACATTGAGGAGCCGCTGGCTGTTGTTGTACGGGTAGATCTGTTTCACTGTGTCACAG[T>TA]AAAGGGGATTGACCTCCCACCTGAGGGGGAGAAGAAGTCCTGGGGCTGGAAAAGCCAAGA-3'